The following is an entry in ClinVar:

ClinVar aggregate classification (germline): Uncertain significance (1 of 4 stars; one submission).

Conditions:
Hyperekplexia 3 (HKPX3). Also called: HYPEREKPLEXIA 3, AUTOSOMAL RECESSIVE; HYPEREKPLEXIA 3, AUTOSOMAL DOMINANT. Identifiers: Orphanet 3197, MedGen C3553288, MONDO:0013827, OMIM 614618.

Submission:

Labcorp Genetics (formerly Invitae), Labcorp
Classification: Uncertain significance for Hyperekplexia 3. Last evaluated: 2022-02-18. Review status: criteria provided, single submitter. Criteria: Invitae Variant Classification Sherloc (09022015). Collection method: clinical testing. Allele origin: germline.
Comment: This sequence change replaces serine, which is neutral and polar, with isoleucine, which is neutral and non-polar, at codon 513 of the SLC6A5 protein (p.Ser513Ile). This variant is not present in population databases (gnomAD no frequency). This missense change has been observed in individual(s) with hyperekplexia (PMID: 22700964). Algorithms developed to predict the effect of missense changes on protein structure and function (SIFT, PolyPhen-2, Align-GVGD) all suggest that this variant is likely to be disruptive. Experimental studies have shown that this missense change affects SLC6A5 function (PMID: 22700964). In summary, the available evidence is currently insufficient to determine the role of this variant in disease. Therefore, it has been classified as a Variant of Uncertain Significance.

Literature cited by the submitters: PubMed 22700964.

NM_004211.5(SLC6A5):c.1538G>T (p.Ser513Ile)

Gene: SLC6A5 (solute carrier family 6 member 5; plus strand). Cytogenetic location: 11p15.1.
Variant type: single nucleotide variant.
Coding change: c.1538G>T on transcript NM_004211.5 (MANE Select); coding-DNA position 1538, G replaced by T.
Protein change: p.Ser513Ile; replaces serine 513 with isoleucine.
Molecular consequence: missense variant.
Genome position (GRCh38, 1-based): chr11:20,630,729, G>T. VCF-style: chr11-20630729-G-T. GRCh37 (hg19) VCF-style: chr11-20652275-G-T.
Other names: c.836G>T, p.Ser279Ile (NM_001318369.2); short protein forms S513I, S279I.
Identifiers: ClinVar variation 2137029 (VCV002137029.4), dbSNP rs773991079, ClinGen allele CA379917477.